The following is an entry in ClinVar:

NM_004260.4(RECQL4):c.213+4C>T

Gene: RECQL4 (RecQ like helicase 4; minus strand). Cytogenetic location: 8q24.3.
Variant type: single nucleotide variant.
Coding change: c.213+4C>T on transcript NM_004260.4 (MANE Select); 4 bases into the intron after coding-DNA position 213, C replaced by T.
Molecular consequence: intron variant.
Genome position (GRCh38, 1-based): chr8:144,517,410, G>A on the plus strand (C>T on the coding strand, the complement: RECQL4 is on the minus strand). VCF-style: chr8-144517410-G-A. GRCh37 (hg19) VCF-style: chr8-145742794-G-A.
Identifiers: ClinVar variation 459380 (VCV000459380.8), dbSNP rs768769944, ClinGen allele CA4949458.

ClinVar aggregate classification (germline): Uncertain significance (1 of 4 stars; one submission).

Conditions:
Baller-Gerold syndrome (BGS). Also called: CRANIOSYNOSTOSIS WITH RADIAL DEFECTS. Identifiers: Orphanet 1225, MedGen C0265308, MONDO:0009039, OMIM 218600.

Allele frequency attached by ClinVar (database versions not stated): TOPMed below 0.00001; gnomAD 0.00001; gnomAD exomes 0.00001; ExAC 0.00004.

Submission:

Labcorp Genetics (formerly Invitae), Labcorp
Classification: Uncertain significance for Baller-Gerold syndrome. Last evaluated: 2023-11-27. Review status: criteria provided, single submitter. Criteria: Invitae Variant Classification Sherloc (09022015). Collection method: clinical testing. Allele origin: germline.
Comment: This sequence change falls in intron 3 of the RECQL4 gene. It does not directly change the encoded amino acid sequence of the RECQL4 protein. It affects a nucleotide within the consensus splice site. The frequency data for this variant in the population databases is considered unreliable, as metrics indicate poor data quality at this position in the gnomAD database. This variant has not been reported in the literature in individuals affected with RECQL4-related conditions. ClinVar contains an entry for this variant (Variation ID: 459380). Variants that disrupt the consensus splice site are a relatively common cause of aberrant splicing (PMID: 17576681, 9536098). Algorithms developed to predict the effect of sequence changes on RNA splicing suggest that this variant is not likely to affect RNA splicing. In summary, the available evidence is currently insufficient to determine the role of this variant in disease. Therefore, it has been classified as a Variant of Uncertain Significance.

Literature cited by the submitters: PubMed 17576681; PubMed 9536098.